The following is an entry in ClinVar:

ClinVar aggregate classification (germline): Uncertain significance. Review status: criteria provided, multiple submitters, no conflicts (2 of 4 stars). 4 submissions from 4 submitters: Uncertain significance (4). Last evaluated 2026-04-01.

Allele frequency attached by ClinVar (database versions not stated): gnomAD exomes 0.00003 and 0.00004; ExAC 0.00005; ESP Exome Variant Server 0.00008; gnomAD 0.00010 and 0.00011; TOPMed 0.00011; 1000 Genomes Project 30x 0.00047; 1000 Genomes Project 0.00060.
gnomAD v4.1: 66 of 1,613,846 alleles (0.0041%); highest among the groups gnomAD compares: East Asian, 0.029%; no homozygotes.

Submissions (4):

CeGaT Center for Human Genetics Tuebingen
Classification: Uncertain significance. Last evaluated: 2026-04-01. Review status: criteria provided, single submitter. Criteria: CeGaT Center For Human Genetics Tuebingen Variant Classification Criteria Version 2. Collection method: clinical testing. Allele origin: germline. Affected: yes. Observed: 1 variant allele.
Comment: CLDN14: PM2:Supporting

GeneDx
Classification: Uncertain significance. Last evaluated: 2024-06-25. Review status: criteria provided, single submitter. Criteria: GeneDx Variant Classification Process June 2021. Collection method: clinical testing. Allele origin: germline. Affected: yes.
Comment: In silico analysis indicates that this missense variant does not alter protein structure/function; Has not been previously published as pathogenic or benign to our knowledge

Blueprint Genetics
Classification: Uncertain significance. Last evaluated: 2024-01-22. Review status: criteria provided, single submitter. Criteria: ACMG Guidelines, 2015. Collection method: clinical testing. Allele origin: germline.

Labcorp Genetics (formerly Invitae), Labcorp
Classification: Uncertain significance. Last evaluated: 2022-06-23. Review status: criteria provided, single submitter. Criteria: Invitae Variant Classification Sherloc (09022015). Collection method: clinical testing. Allele origin: germline.
Comment: In summary, the available evidence is currently insufficient to determine the role of this variant in disease. Therefore, it has been classified as a Variant of Uncertain Significance. Algorithms developed to predict the effect of missense changes on protein structure and function are either unavailable or do not agree on the potential impact of this missense change (SIFT: "Deleterious"; PolyPhen-2: "Benign"; Align-GVGD: "Class C15"). ClinVar contains an entry for this variant (Variation ID: 1304003). This variant has not been reported in the literature in individuals affected with CLDN14-related conditions. This variant is present in population databases (rs146755542, gnomAD 0.02%). This sequence change replaces aspartic acid, which is acidic and polar, with asparagine, which is neutral and polar, at codon 142 of the CLDN14 protein (p.Asp142Asn).

NM_001146079.2(CLDN14):c.424G>A (p.Asp142Asn)

Genes: CLDN14 (claudin 14; minus strand), CLDN14-AS1 (CLDN14 antisense RNA 1; plus strand). Cytogenetic location: 21q22.13.
Variant type: single nucleotide variant.
Coding change: c.424G>A on transcript NM_001146079.2 (MANE Select); coding-DNA position 424, G replaced by A.
Protein change: p.Asp142Asn; replaces aspartic acid 142 with asparagine.
Molecular consequence: missense variant.
Genome position (GRCh38, 1-based): chr21:36,461,272, C>T on the plus strand (G>A on the coding strand, the complement: CLDN14 is on the minus strand). VCF-style: chr21-36461272-C-T. GRCh37 (hg19) VCF-style: chr21-37833570-C-T.
Other names: c.424G>A, p.Asp142Asn (NM_001146077.2, NM_001146078.3, NM_012130.4 and 1 more transcripts); short protein forms D142N.
Identifiers: ClinVar variation 1304003 (VCV001304003.9), dbSNP rs146755542, ClinGen allele CA10019262.